The following is an entry in ClinVar:

NM_015378.4(VPS13D):c.3856_3875del (p.Leu1286_Lys1287insTer)

Gene: VPS13D (vacuolar protein sorting 13 homolog D; plus strand). Cytogenetic location: 1p36.22.
Variant type: Deletion.
Coding change: c.3856_3875del on transcript NM_015378.4 (MANE Select); coding-DNA positions 3856 to 3875, 20 bases deleted (CTGAAGATGGCTTCTTTACA).
Protein change: p.Leu1286_Lys1287insTer.
Molecular consequence: frameshift variant.
Genome position (GRCh38, 1-based): chr1:12,277,444-12,277,463, CTGAAGATGGCTTCTTTACA deleted. VCF-style (leftmost placement, unchanged base first): chr1-12277443-CCTGAAGATGGCTTCTTTACA-C. GRCh37 (hg19) VCF-style: chr1-12337500-CCTGAAGATGGCTTCTTTACA-C.
Other names: c.3856_3875del, p.Leu1286_Lys1287insTer (NM_018156.4); c.3856_3875del20 (NM_015378.3).
Identifiers: ClinVar variation 1919522 (VCV001919522.6), dbSNP rs889480427, ClinGen allele CA18042998.

ClinVar aggregate classification (germline): Pathogenic/Likely pathogenic. Review status: criteria provided, multiple submitters, no conflicts (2 of 4 stars). 2 submissions from 2 submitters: Pathogenic (1); Likely pathogenic (1). Last evaluated 2025-11-13.

Conditions:
VPS13D-related disorder. Also called: VPS13D-related condition.

Allele frequency attached by ClinVar (database versions not stated): gnomAD 0.00001; TOPMed 0.00001.

Submissions (2):

PreventionGenetics, part of Exact Sciences
Classification: Likely pathogenic for VPS13D-related condition. Last evaluated: 2025-11-13. Review status: criteria provided, single submitter. Criteria: ACMG Guidelines, 2015. Collection method: clinical testing. Allele origin: germline.
Comment: The VPS13D c.3856_3875del20 variant is predicted to result in premature protein termination (p.Lys1287*). To our knowledge, this variant has not been reported in the literature or in a large population database (gnomAD), indicating this variant is rare. Frameshift variants in VPS13D are expected to be pathogenic. This variant is interpreted as likely pathogenic.

Labcorp Genetics (formerly Invitae), Labcorp
Classification: Pathogenic. Last evaluated: 2025-01-27. Review status: criteria provided, single submitter. Criteria: Invitae Variant Classification Sherloc (09022015). Collection method: clinical testing. Allele origin: germline.
Comment: This sequence change creates a premature translational stop signal (p.Lys1287*) in the VPS13D gene. It is expected to result in an absent or disrupted protein product. Loss-of-function variants in VPS13D are known to be pathogenic (PMID: 29518281). This variant is not present in population databases (gnomAD no frequency). This variant has not been reported in the literature in individuals affected with VPS13D-related conditions. ClinVar contains an entry for this variant (Variation ID: 1919522). For these reasons, this variant has been classified as Pathogenic.

Literature cited by the submitters: PubMed 29518281 (cited by Labcorp Genetics (formerly Invitae), Labcorp).